The following is an entry in ClinVar:

NM_015338.6(ASXL1):c.1278A>C (p.Lys426Asn)

Gene: ASXL1 (ASXL transcriptional regulator 1; plus strand). Cytogenetic location: 20q11.21.
Variant type: single nucleotide variant.
Coding change: c.1278A>C on transcript NM_015338.6 (MANE Select); coding-DNA position 1278, A replaced by C.
Protein change: p.Lys426Asn; replaces lysine 426 with asparagine.
Molecular consequence: missense variant.
Genome position (GRCh38, 1-based): chr20:32,433,476, A>C. VCF-style: chr20-32433476-A-C. GRCh37 (hg19) VCF-style: chr20-31021279-A-C.
Other names: c.1095A>C, p.Lys365Asn (NM_001363734.1); short protein forms K365N, K426N.
Identifiers: ClinVar variation 3793956 (VCV003793956.1).

ClinVar aggregate classification (germline): Uncertain significance (1 of 4 stars; one submission).

Conditions:
Inborn genetic diseases. Identifiers: MedGen C0950123, MeSH D030342.

Submission:

Ambry Genetics
Classification: Uncertain significance for Inborn genetic diseases. Last evaluated: 2025-03-02. Review status: criteria provided, single submitter. Criteria: Ambry Variant Classification Scheme 2023. Collection method: clinical testing. Allele origin: germline.
Comment: The p.K426N variant (also known as c.1278A>C), located in coding exon 12 of the ASXL1 gene, results from an A to C substitution at nucleotide position 1278. The lysine at codon 426 is replaced by asparagine, an amino acid with similar properties. This amino acid position is conserved. In addition, this alteration is predicted to be tolerated by in silico analysis. Based on the available evidence, the clinical significance of this variant remains unclear.